The following is an entry in ClinVar:

ClinVar aggregate classification (germline): Uncertain significance (1 of 4 stars; one submission).

Conditions:
Familial encephalopathy with neuroserpin inclusion bodies. Also called: ENCEPHALOPATHY, FAMILIAL, WITH COLLINS BODIES. Identifiers: Orphanet 85110, MedGen C1858680, MONDO:0011412, OMIM 604218.

Allele frequency attached by ClinVar (database versions not stated): TOPMed below 0.00001; gnomAD 0.00001; gnomAD exomes 0.00001.
gnomAD v4.1: 3 of 1,601,838 alleles (0.00019%); highest among the groups gnomAD compares: East Asian, 0.0045%; no homozygotes.

Submission:

Labcorp Genetics (formerly Invitae), Labcorp
Classification: Uncertain significance for Familial encephalopathy with neuroserpin inclusion bodies. Last evaluated: 2024-10-16. Review status: criteria provided, single submitter. Criteria: Invitae Variant Classification Sherloc (09022015). Collection method: clinical testing. Allele origin: germline.
Comment: This sequence change falls in intron 3 of the SERPINI1 gene. It does not directly change the encoded amino acid sequence of the SERPINI1 protein. It affects a nucleotide within the consensus splice site. This variant is present in population databases (no rsID available, gnomAD 0.02%). This variant has not been reported in the literature in individuals affected with SERPINI1-related conditions. ClinVar contains an entry for this variant (Variation ID: 1435352). Variants that disrupt the consensus splice site are a relatively common cause of aberrant splicing (PMID: 17576681, 9536098). Algorithms developed to predict the effect of sequence changes on RNA splicing suggest that this variant is not likely to affect RNA splicing. In summary, the available evidence is currently insufficient to determine the role of this variant in disease. Therefore, it has been classified as a Variant of Uncertain Significance.

Literature cited by the submitters: PubMed 17576681; PubMed 9536098.

NM_001122752.2(SERPINI1):c.481+4T>C

Gene: SERPINI1 (serpin family I member 1; plus strand). Cytogenetic location: 3q26.1.
Variant type: single nucleotide variant.
Coding change: c.481+4T>C on transcript NM_001122752.2 (MANE Select); 4 bases into the intron after coding-DNA position 481, T replaced by C.
Molecular consequence: intron variant.
Genome position (GRCh38, 1-based): chr3:167,790,606, T>C. VCF-style: chr3-167790606-T-C. GRCh37 (hg19) VCF-style: chr3-167508394-T-C.
Other names: c.481+4T>C (NM_005025.5).
Identifiers: ClinVar variation 1435352 (VCV001435352.6), dbSNP rs1191891165, ClinGen allele CA547810414.
Genomic context (GRCh38, chr3:167,790,606, plus strand): 5'-GTCAAAATGTAGCCGTGGCCAACTACATCAATAAGTGGGTGGAGAATAACACAAACAGTA[T>C]GTCACTTGGTTCCTTTCTTCCTCTAGTAGCTTAGTTTTAACTGTCTTTAACTTCTGAAAG-3'